The following is an entry in ClinVar:

ClinVar aggregate classification (germline): Uncertain significance (1 of 4 stars; one submission).

Allele frequency attached by ClinVar (database versions not stated): gnomAD exomes below 0.00001; TOPMed below 0.00001.
gnomAD v4.1: 3 of 1,614,222 alleles (0.00019%); highest among the groups gnomAD compares: Non-Finnish European, 0.00017%; no homozygotes.

Submission:

GeneDx
Classification: Uncertain significance. Last evaluated: 2022-11-07. Review status: criteria provided, single submitter. Criteria: GeneDx Variant Classification Process June 2021. Collection method: clinical testing. Allele origin: germline. Affected: yes.
Comment: Not observed at significant frequency in large population cohorts (gnomAD); In silico analysis supports that this missense variant does not alter protein structure/function; Has not been previously published as pathogenic or benign to our knowledge

NM_004369.4(COL6A3):c.8327G>A (p.Arg2776Lys)

Gene: COL6A3 (collagen type VI alpha 3 chain; minus strand). Cytogenetic location: 2q37.3.
Variant type: single nucleotide variant.
Coding change: c.8327G>A on transcript NM_004369.4 (MANE Select); coding-DNA position 8327, G replaced by A.
Protein change: p.Arg2776Lys; replaces arginine 2776 with lysine.
Molecular consequence: missense variant.
Genome position (GRCh38, 1-based): chr2:237,340,589, C>T on the plus strand (G>A on the coding strand, the complement: COL6A3 is on the minus strand). VCF-style: chr2-237340589-C-T. GRCh37 (hg19) VCF-style: chr2-238249232-C-T.
Other names: c.6506G>A, p.Arg2169Lys (NM_057166.5); c.7709G>A, p.Arg2570Lys (NM_057167.4); short protein forms R2169K, R2570K, R2776K.
Identifiers: ClinVar variation 2501494 (VCV002501494.1), dbSNP rs1477462064, ClinGen allele CA351195198.
Genomic context (GRCh38, chr2:237,340,589, plus strand): 5'-TTGAAGAAGACGTCGTTTGGCTCACTGGCGAAGGTGTATACCTCCTTGATGTTCACCTTC[C>T]TGCCAATGCCCAGGACCACGAAGAAGTAGCCCTTGCATTTGGCCTGCAGGATGACTCTCT-3'
Protein context (NP_004360.2, residues 2766-2786): GYFFVVLGIG[Arg2776Lys]KVNIKEVYTF